The following is an entry in ClinVar:

NM_053013.4(ENO3):c.142G>A (p.Glu48Lys)

Gene: ENO3 (enolase 3; plus strand). Cytogenetic location: 17p13.2.
Variant type: single nucleotide variant.
Coding change: c.142G>A on transcript NM_053013.4 (MANE Select); coding-DNA position 142, G replaced by A.
Protein change: p.Glu48Lys; replaces glutamic acid 48 with lysine.
Molecular consequence: missense variant.
Genome position (GRCh38, 1-based): chr17:4,952,851, G>A. VCF-style: chr17-4952851-G-A. GRCh37 (hg19) VCF-style: chr17-4856146-G-A.
Other names: c.142G>A, p.Glu48Lys (NM_001193503.2, NM_001374523.1, NM_001976.5); c.169G>A, p.Glu57Lys (NM_001374524.1); short protein forms E48K, E57K.
Identifiers: ClinVar variation 1947787 (VCV001947787.5), dbSNP rs777213473, ClinGen allele CA8316152.

ClinVar aggregate classification (germline): Uncertain significance (1 of 4 stars; one submission).

Conditions:
Glycogen storage disease due to muscle beta-enolase deficiency (GSD13). Also called: ENOLASE 3 DEFICIENCY; ENOLASE-BETA DEFICIENCY; GSD XIII; Glycogen Storage Disease Type XIII. Identifiers: Orphanet 99849, MedGen C2752027, MONDO:0013046, OMIM 612932.

Allele frequency attached by ClinVar (database versions not stated): gnomAD exomes 0.00001; ExAC 0.00004.
gnomAD v4.1: 11 of 1,612,534 alleles (0.00068%); highest among the groups gnomAD compares: Non-Finnish European, 0.00093%; no homozygotes.

Submission:

Labcorp Genetics (formerly Invitae), Labcorp
Classification: Uncertain significance for Glycogen storage disease due to muscle beta-enolase deficiency. Last evaluated: 2022-05-09. Review status: criteria provided, single submitter. Criteria: Invitae Variant Classification Sherloc (09022015). Collection method: clinical testing. Allele origin: germline.
Comment: This sequence change replaces glutamic acid, which is acidic and polar, with lysine, which is basic and polar, at codon 48 of the ENO3 protein (p.Glu48Lys). This variant is present in population databases (rs777213473, gnomAD 0.004%). This missense change has been observed in individual(s) with clinical features of ENO3-related conditions (PMID: 33004838). Algorithms developed to predict the effect of missense changes on protein structure and function are either unavailable or do not agree on the potential impact of this missense change (SIFT: "Deleterious"; PolyPhen-2: "Possibly Damaging"; Align-GVGD: "Class C0"). In summary, the available evidence is currently insufficient to determine the role of this variant in disease. Therefore, it has been classified as a Variant of Uncertain Significance.

Literature cited by the submitters: PubMed 33004838.